The following is an entry in ClinVar:

NM_003307.4(TRPM2):c.1923C>G (p.Ile641Met)

Gene: TRPM2 (transient receptor potential cation channel subfamily M member 2; plus strand). Cytogenetic location: 21q22.3.
Variant type: single nucleotide variant.
Coding change: c.1923C>G on transcript NM_003307.4 (MANE Select); coding-DNA position 1923, C replaced by G.
Protein change: p.Ile641Met; replaces isoleucine 641 with methionine.
Molecular consequence: missense variant. On other transcripts: non-coding transcript variant (1).
Genome position (GRCh38, 1-based): chr21:44,395,542, C>G. VCF-style: chr21-44395542-C-G. GRCh37 (hg19) VCF-style: chr21-45815425-C-G.
Other names: NC_000021.8:g.45815425C>G; c.1923C>G, p.Ile641Met (NM_001320350.2, NM_001320351.2); short protein forms I641M.
Identifiers: ClinVar variation 713434 (VCV000713434.28), dbSNP rs150484698, ClinGen allele CA10054700.

ClinVar aggregate classification (germline): Benign/Likely benign. Review status: criteria provided, multiple submitters, no conflicts (2 of 4 stars). 2 submissions from 2 submitters: Benign (1); Likely benign (1). Last evaluated 2025-02-01.

Allele frequency attached by ClinVar (database versions not stated): TOPMed 0.00110; gnomAD 0.00150; ESP Exome Variant Server 0.00161.
gnomAD v4.1: 2,536 of 1,612,838 alleles (0.16%); highest among the groups gnomAD compares: Non-Finnish European, 0.2%; 5 homozygotes.

Submissions (3):

CeGaT Center for Human Genetics Tuebingen
Classification: Benign. Last evaluated: 2025-02-01. Review status: criteria provided, single submitter. Criteria: CeGaT Center For Human Genetics Tuebingen Variant Classification Criteria Version 2. Collection method: clinical testing. Allele origin: germline. Affected: yes. Observed: 1 variant allele.
Comment: TRPM2: BS1, BS2

Labcorp Genetics (formerly Invitae), Labcorp
Classification: Likely benign. Last evaluated: 2018-07-11. Review status: criteria provided, single submitter. Criteria: Invitae Variant Classification Sherloc (09022015). Collection method: clinical testing. Allele origin: germline.

Dr. Peter K. Rogan Lab, Western University
No classification provided (evidence only). Condition: Sarcoma. Review status: no classification provided. Collection method: in vitro. Allele origin: not applicable. Functional consequence: retained intron. Not counted in ClinVar's aggregate classification.